The following is an entry in ClinVar:

ClinVar aggregate classification (germline): Benign. Review status: criteria provided, multiple submitters, no conflicts (2 of 4 stars). 3 submissions from 3 submitters: Benign (3). Last evaluated 2026-03-01.

Allele frequency attached by ClinVar (database versions not stated): gnomAD 0.00005 and 0.00038; ESP Exome Variant Server 0.00008; TOPMed 0.00010; gnomAD exomes 0.00072 and 0.00156; 1000 Genomes Project 30x 0.00078; 1000 Genomes Project 0.00080; ExAC 0.00325.
gnomAD v4.1: 1,091 of 1,602,876 alleles (0.068%); highest among the groups gnomAD compares: South Asian, 1.1%; 23 homozygotes.

Submissions (3):

CeGaT Center for Human Genetics Tuebingen
Classification: Benign. Last evaluated: 2026-03-01. Review status: criteria provided, single submitter. Criteria: CeGaT Center For Human Genetics Tuebingen Variant Classification Criteria Version 2. Collection method: clinical testing. Allele origin: germline. Affected: yes. Observed: 1 variant allele.
Comment: AARS2: BP4, BP7, BS1, BS2

Labcorp Genetics (formerly Invitae), Labcorp
Classification: Benign. Last evaluated: 2025-10-07. Review status: criteria provided, single submitter. Criteria: Invitae Variant Classification Sherloc (09022015). Collection method: clinical testing. Allele origin: germline.

GeneDx
Classification: Benign. Last evaluated: 2015-02-11. Review status: criteria provided, single submitter. Criteria: GeneDx Variant Classification (06012015). Collection method: clinical testing. Allele origin: germline. Affected: yes.
Comment: This variant is considered likely benign or benign based on one or more of the following criteria: it is a conservative change, it occurs at a poorly conserved position in the protein, it is predicted to be benign by multiple in silico algorithms, and/or has population frequency not consistent with disease.

NM_020745.4(AARS2):c.882C>T (p.Asn294=)

Gene: AARS2 (alanyl-tRNA synthetase 2, mitochondrial; minus strand). Cytogenetic location: 6p21.1.
Variant type: single nucleotide variant.
Coding change: c.882C>T on transcript NM_020745.4 (MANE Select); coding-DNA position 882, C replaced by T.
Protein change: p.Asn294=; no amino-acid change (asparagine 294 retained).
Molecular consequence: synonymous variant.
Genome position (GRCh38, 1-based): chr6:44,310,311, G>A on the plus strand (C>T on the coding strand, the complement: AARS2 is on the minus strand). VCF-style: chr6-44310311-G-A. GRCh37 (hg19) VCF-style: chr6-44278048-G-A.
Other names: p.N294N:AAC>AAT.
Identifiers: ClinVar variation 213950 (VCV000213950.13), dbSNP rs141636040, ClinGen allele CA322584.
Genomic context (GRCh38, chr6:44,310,311, plus strand): 5'-GCTGTGAAGAGCAGGTTAGAGGGCTTCTGGAAGGGAAGAGGCACTCACCTGCTGTATGGC[G>A]TTGAGCAGCGGGGAAAAGAGGTCAGTGTCATAGGTGGAGTGTTTGCCTTGCAGCACAGCC-3'
Protein context (NP_065796.2, residues 284-304): YDTDLFSPLL[Asn294=]AIQQGCRAPP